The following is an entry in ClinVar:

ClinVar aggregate classification (germline): Uncertain significance (1 of 4 stars; one submission).

Conditions:
Acromesomelic dysplasia 1, Maroteaux type (AMD1). Also called: ST. HELENA DYSPLASIA; ACROMESOMELIC DYSPLASIA 1. Identifiers: Orphanet 40, MedGen C1864356, MONDO:0011275, OMIM 602875.

Allele frequency attached by ClinVar (database versions not stated): gnomAD exomes below 0.00001.
gnomAD v4.1: 6 of 1,614,202 alleles (0.00037%); highest among the groups gnomAD compares: Middle Eastern, 0.082%; no homozygotes.

Submission:

Baylor Genetics
Classification: Uncertain significance for Acromesomelic dysplasia 1, Maroteaux type. Last evaluated: 2020-01-17. Review status: criteria provided, single submitter. Criteria: ACMG Guidelines, 2015. Collection method: clinical testing. Allele origin: unknown. Affected: yes.
Comment: This variant was determined to be of uncertain significance according to ACMG Guidelines, 2015 [PMID:25741868].

NM_003995.4(NPR2):c.2463G>A (p.Gln821=)

Gene: NPR2 (natriuretic peptide receptor 2; plus strand). Cytogenetic location: 9p13.3.
Variant type: single nucleotide variant.
Coding change: c.2463G>A on transcript NM_003995.4 (MANE Select); coding-DNA position 2463, G replaced by A.
Protein change: p.Gln821=; no amino-acid change (glutamine 821 retained).
Molecular consequence: synonymous variant.
Genome position (GRCh38, 1-based): chr9:35,806,482, G>A. VCF-style: chr9-35806482-G-A. GRCh37 (hg19) VCF-style: chr9-35806479-G-A.
Other names: c.2472G>A, p.Gln824= (NM_001378923.1).
Identifiers: ClinVar variation 1029785 (VCV001029785.1), dbSNP rs1828391242, ClinGen allele CA464465172.